The following is an entry in ClinVar:

ClinVar aggregate classification (germline): Conflicting classifications of pathogenicity. Review status: criteria provided, conflicting classifications (1 of 4 stars). 5 submissions from 5 submitters: Uncertain significance (3); Likely benign (1). 1 of the submissions does not count toward it. Last evaluated 2026-07-01.

Conditions:
Inborn genetic diseases. Identifiers: MedGen C0950123, MeSH D030342.
Nephronophthisis 9 (NPHP9). Identifiers: Orphanet 655, MedGen C3151188, MONDO:0013444, OMIM 613824.
Polycystic kidney disease 8. Identifiers: MedGen C5935640, MONDO:0971178, OMIM 620903.
Renal-hepatic-pancreatic dysplasia 2 (RHPD2). Identifiers: MedGen C3809434, MONDO:0014174, OMIM 615415.
Premature menopause. Identifiers: MedGen C0025322, MONDO:0001119.

Allele frequency attached by ClinVar (database versions not stated): TOPMed 0.00005; gnomAD exomes 0.00022; gnomAD 0.00006.
gnomAD v4.1: 326 of 1,613,850 alleles (0.02%); highest among the groups gnomAD compares: Non-Finnish European, 0.027%; no homozygotes.

Submissions (5):

Ambry Genetics
Classification: Likely benign for Inborn genetic diseases. Last evaluated: 2026-07-01. Review status: criteria provided, single submitter. Criteria: Ambry Variant Classification Scheme 2023. Collection method: clinical testing. Allele origin: germline.

Fulgent Genetics
Classification: Uncertain significance for Nephronophthisis 9; Renal-hepatic-pancreatic dysplasia 2; Polycystic kidney disease 8. Last evaluated: 2024-05-30. Review status: criteria provided, single submitter. Criteria: ACMG Guidelines, 2015. Collection method: clinical testing. Allele origin: germline.

Labcorp Genetics (formerly Invitae), Labcorp
Classification: Uncertain significance for Nephronophthisis 9. Last evaluated: 2022-02-14. Review status: criteria provided, single submitter. Criteria: Invitae Variant Classification Sherloc (09022015). Collection method: clinical testing. Allele origin: germline.
Comment: In summary, the available evidence is currently insufficient to determine the role of this variant in disease. Therefore, it has been classified as a Variant of Uncertain Significance. Algorithms developed to predict the effect of missense changes on protein structure and function output the following: SIFT: "Tolerated"; PolyPhen-2: "Benign"; Align-GVGD: "Class C0". The threonine amino acid residue is found in multiple mammalian species, which suggests that this missense change does not adversely affect protein function. ClinVar contains an entry for this variant (Variation ID: 619062). This variant has not been reported in the literature in individuals affected with NEK8-related conditions. This variant is present in population databases (rs374175041, gnomAD 0.008%). This sequence change replaces serine, which is neutral and polar, with threonine, which is neutral and polar, at codon 367 of the NEK8 protein (p.Ser367Thr).

Illumina Laboratory Services, Illumina
Classification: Uncertain significance for Nephronophthisis 9. Last evaluated: 2017-04-27. Review status: criteria provided, single submitter. Criteria: ICSL Variant Classification Criteria 13 December 2019. Collection method: clinical testing. Allele origin: germline.

Reproductive Development, Murdoch Childrens Research Institute
Classification: Uncertain significance for Premature ovarian insufficiency. Last evaluated: 2018-01-10. Review status: no assertion criteria provided. Criteria: ACMG Guidelines, 2015. Collection method: research. Allele origin: paternal. Affected: yes. Not counted in ClinVar's aggregate classification.

NM_178170.3(NEK8):c.1100G>C (p.Ser367Thr)

Gene: NEK8 (NIMA related kinase 8; plus strand). Cytogenetic location: 17q11.2.
Variant type: single nucleotide variant.
Coding change: c.1100G>C on transcript NM_178170.3 (MANE Select); coding-DNA position 1100, G replaced by C.
Protein change: p.Ser367Thr; replaces serine 367 with threonine.
Molecular consequence: missense variant.
Genome position (GRCh38, 1-based): chr17:28,738,123, G>C. VCF-style: chr17-28738123-G-C. GRCh37 (hg19) VCF-style: chr17-27065141-G-C.
Other names: short protein forms S367T.
Identifiers: ClinVar variation 619062 (VCV000619062.14), dbSNP rs374175041, ClinGen allele CA8467310.